The following is an entry in ClinVar:

NM_144991.3(TSPEAR):c.178C>T (p.Gln60Ter)

Gene: TSPEAR (thrombospondin type laminin G domain and EAR repeats; minus strand). Cytogenetic location: 21q22.3.
Variant type: single nucleotide variant.
Coding change: c.178C>T on transcript NM_144991.3 (MANE Select); coding-DNA position 178, C replaced by T.
Protein change: p.Gln60Ter; replaces glutamine 60 with a stop codon.
Molecular consequence: nonsense. On other transcripts: 5 prime UTR variant (1).
Genome position (GRCh38, 1-based): chr21:44,567,910, G>A on the plus strand (C>T on the coding strand, the complement: TSPEAR is on the minus strand). VCF-style: chr21-44567910-G-A. GRCh37 (hg19) VCF-style: chr21-45987794-G-A.
Other names: c.-27C>T (NM_001272037.2); short protein forms Q60*.
Identifiers: ClinVar variation 1925665 (VCV001925665.4), dbSNP rs2053723776, ClinGen allele CA410467568.

ClinVar aggregate classification (germline): Pathogenic (1 of 4 stars; one submission).

Allele frequency attached by ClinVar (database versions not stated): gnomAD exomes below 0.00001.
gnomAD v4.1: 8 of 1,607,294 alleles (0.0005%); highest among the groups gnomAD compares: Non-Finnish European, 0.00051%; no homozygotes.

Submission:

Labcorp Genetics (formerly Invitae), Labcorp
Classification: Pathogenic. Last evaluated: 2025-07-10. Review status: criteria provided, single submitter. Criteria: Invitae Variant Classification Sherloc (09022015). Collection method: clinical testing. Allele origin: germline.
Comment: This sequence change creates a premature translational stop signal (p.Gln60*) in the TSPEAR gene. It is expected to result in an absent or disrupted protein product. Loss-of-function variants in TSPEAR are known to be pathogenic (PMID: 34042254). This variant is not present in population databases (gnomAD no frequency). This variant has not been reported in the literature in individuals affected with TSPEAR-related conditions. ClinVar contains an entry for this variant (Variation ID: 1925665). For these reasons, this variant has been classified as Pathogenic.

Literature cited by the submitters: PubMed 34042254.